The following is an entry in ClinVar:

NM_001171.6(ABCC6):c.1866C>T (p.Ser622=)

Gene: ABCC6 (ATP binding cassette subfamily C member 6; minus strand). Cytogenetic location: 16p13.11.
Variant type: single nucleotide variant.
Coding change: c.1866C>T on transcript NM_001171.6 (MANE Select); coding-DNA position 1866, C replaced by T.
Protein change: p.Ser622=; no amino-acid change (serine 622 retained).
Molecular consequence: synonymous variant. On other transcripts: non-coding transcript variant (1).
Genome position (GRCh38, 1-based): chr16:16,187,125, G>A on the plus strand (C>T on the coding strand, the complement: ABCC6 is on the minus strand). VCF-style: chr16-16187125-G-A. GRCh37 (hg19) VCF-style: chr16-16280982-G-A.
Other names: c.1524C>T, p.Ser508= (NM_001351800.1).
Identifiers: ClinVar variation 1419120 (VCV001419120.5), dbSNP rs561150422, ClinGen allele CA7926137.

ClinVar aggregate classification (germline): Conflicting classifications of pathogenicity. Review status: criteria provided, conflicting classifications (1 of 4 stars). 2 submissions from 2 submitters: Uncertain significance (1); Likely benign (1). Last evaluated 2025-10-26.

Allele frequency attached by ClinVar (database versions not stated): gnomAD 0.00001 and 0.00009; TOPMed 0.00003; gnomAD exomes 0.00028; ExAC 0.00036; 1000 Genomes Project 30x 0.00047; 1000 Genomes Project 0.00060.
gnomAD v4.1: 182 of 1,583,718 alleles (0.011%); highest among the groups gnomAD compares: South Asian, 0.16%; 1 homozygote.

Submissions (2):

Labcorp Genetics (formerly Invitae), Labcorp
Classification: Uncertain significance. Last evaluated: 2025-10-26. Review status: criteria provided, single submitter. Criteria: Invitae Variant Classification Sherloc (09022015). Collection method: clinical testing. Allele origin: germline.
Comment: This sequence change affects codon 622 of the ABCC6 mRNA. It is a 'silent' change, meaning that it does not change the encoded amino acid sequence of the ABCC6 protein. It affects a nucleotide within the consensus splice site. This variant is present in population databases (rs561150422, gnomAD 0.2%). This variant has not been reported in the literature in individuals affected with ABCC6-related conditions. ClinVar contains an entry for this variant (Variation ID: 1419120). Algorithms developed to predict the effect of sequence changes on RNA splicing suggest that this variant is not likely to affect RNA splicing. In summary, the available evidence is currently insufficient to determine the role of this variant in disease. Therefore, it has been classified as a Variant of Uncertain Significance.

Blueprint Genetics
Classification: Likely benign. Last evaluated: 2024-08-02. Review status: criteria provided, single submitter. Criteria: ACMG Guidelines, 2015. Collection method: clinical testing. Allele origin: germline.